The following is an entry in ClinVar:

ClinVar aggregate classification (germline): Uncertain significance. Review status: criteria provided, multiple submitters, no conflicts (2 of 4 stars). 2 submissions from 2 submitters: Uncertain significance (2). Last evaluated 2026-03-13.

Conditions:
Intellectual developmental disorder with cardiac defects and dysmorphic facies (IDDCDF). Identifiers: Orphanet 562569, MedGen C5193024, MONDO:0032672, OMIM 618316.

Submissions (2):

GeneDx
Classification: Uncertain significance. Last evaluated: 2026-03-13. Review status: criteria provided, single submitter. Criteria: GeneDx Variant Classification Process June 2021. Collection method: clinical testing. Allele origin: germline.
Comment: Not observed at significant frequency in large population cohorts (gnomAD); In silico analysis supports a deleterious effect on protein structure/function; Has not been previously published as pathogenic or benign to our knowledge

Baylor Genetics
Classification: Uncertain significance for Intellectual developmental disorder with cardiac defects and dysmorphic facies. Last evaluated: 2020-06-17. Review status: criteria provided, single submitter. Criteria: ACMG Guidelines, 2015. Collection method: clinical testing. Allele origin: unknown. Affected: yes.
Comment: This variant was determined to be of uncertain significance according to ACMG Guidelines, 2015 [PMID:25741868].

NM_014738.6(TMEM94):c.1066_1067delinsAA (p.Ser356Asn)

Gene: TMEM94 (transmembrane protein 94; plus strand). Cytogenetic location: 17q25.1.
Variant type: Indel.
Coding change: c.1066_1067delinsAA on transcript NM_014738.6 (MANE Select); coding-DNA positions 1066 to 1067, TC replaced by AA.
Protein change: p.Ser356Asn; replaces serine 356 with asparagine.
Molecular consequence: missense variant.
Genome position (GRCh38, 1-based): chr17:75,490,345-75,490,346, TC replaced by AA. VCF-style: chr17-75490345-TC-AA. GRCh37 (hg19) VCF-style: chr17-73486426-TC-AA.
Other names: c.1096_1097delinsAA, p.Ser366Asn (NM_001321148.2, NM_001351203.2); c.1066_1067delinsAA, p.Ser356Asn (NM_001321149.2, NM_001351202.2); c.1066_1067delinsAA (NM_014738.5); short protein forms S356N, S366N.
Identifiers: ClinVar variation 1031300 (VCV001031300.2), dbSNP rs2052051828, ClinGen allele CA2275535604.